The following is an entry in ClinVar:

ClinVar aggregate classification (germline): Uncertain significance (1 of 4 stars; one submission).

Allele frequency attached by ClinVar (database versions not stated): gnomAD 0.00001; gnomAD exomes 0.00001; TOPMed 0.00001.
gnomAD v4.1: 9 of 1,614,050 alleles (0.00056%); highest among the groups gnomAD compares: Middle Eastern, 0.033%; no homozygotes.

Submission:

Labcorp Genetics (formerly Invitae), Labcorp
Classification: Uncertain significance. Last evaluated: 2023-08-23. Review status: criteria provided, single submitter. Criteria: Invitae Variant Classification Sherloc (09022015). Collection method: clinical testing. Allele origin: germline.
Comment: This sequence change replaces leucine, which is neutral and non-polar, with glutamine, which is neutral and polar, at codon 129 of the POLR3A protein (p.Leu129Gln). In summary, the available evidence is currently insufficient to determine the role of this variant in disease. Therefore, it has been classified as a Variant of Uncertain Significance. Advanced modeling of protein sequence and biophysical properties (such as structural, functional, and spatial information, amino acid conservation, physicochemical variation, residue mobility, and thermodynamic stability) performed at Invitae indicates that this missense variant is not expected to disrupt POLR3A protein function. ClinVar contains an entry for this variant (Variation ID: 2116450). This variant has not been reported in the literature in individuals affected with POLR3A-related conditions. This variant is present in population databases (no rsID available, gnomAD 0.0009%).

NM_007055.4(POLR3A):c.386T>A (p.Leu129Gln)

Genes: POLR3A (RNA polymerase III subunit A; minus strand), LOC126860971 (CDK7 strongly-dependent group 2 enhancer GRCh37_chr10:79784551-79785750; plus strand). Cytogenetic location: 10q22.3.
Variant type: single nucleotide variant.
Coding change: c.386T>A on transcript NM_007055.4 (MANE Select); coding-DNA position 386, T replaced by A.
Protein change: p.Leu129Gln; replaces leucine 129 with glutamine.
Molecular consequence: missense variant.
Genome position (GRCh38, 1-based): chr10:78,025,075, A>T on the plus strand (T>A on the coding strand, the complement: POLR3A is on the minus strand). VCF-style: chr10-78025075-A-T. GRCh37 (hg19) VCF-style: chr10-79784833-A-T.
Other names: short protein forms L129Q.
Identifiers: ClinVar variation 2116450 (VCV002116450.2), dbSNP rs1054757283, ClinGen allele CA210227289.